The following is an entry in ClinVar:

ClinVar aggregate classification (germline): Uncertain significance (0 of 4 stars; one submission).

Conditions:
KANSL1-related disorder. Also called: KANSL1-related condition.

Allele frequency attached by ClinVar (database versions not stated): ExAC 0.00001.
gnomAD v4.1: 2 of 1,613,604 alleles (0.00012%); highest among the groups gnomAD compares: Admixed American, 0.0033%; no homozygotes.

Submission:

PreventionGenetics, part of Exact Sciences
Classification: Uncertain significance for KANSL1-related condition. Last evaluated: 2024-02-11. Review status: no assertion criteria provided. Collection method: clinical testing. Allele origin: germline.
Comment: The KANSL1 c.348G>C variant is predicted to result in the amino acid substitution p.Gln116His. To our knowledge, this variant has not been reported in the literature. This variant is reported in 0.0058% of alleles in individuals of Latino descent in gnomAD. At this time, the clinical significance of this variant is uncertain due to the absence of conclusive functional and genetic evidence.

NM_015443.4(KANSL1):c.348G>C (p.Gln116His)

Gene: KANSL1 (KAT8 regulatory NSL complex subunit 1). Cytogenetic location: 17q21.31.
Variant type: single nucleotide variant.
Coding change: c.348G>C on transcript NM_015443.4 (MANE Select); coding-DNA position 348, G replaced by C.
Protein change: p.Gln116His; replaces glutamine 116 with histidine.
Molecular consequence: missense variant. On other transcripts: intron variant (4).
Genome position (GRCh38, 1-based): chr17:46,171,796, C>G on the plus strand (G>C on the coding strand, the complement: KANSL1 is on the minus strand). VCF-style: chr17-46171796-C-G. GRCh37 (hg19) VCF-style: chr17-44249162-C-G.
Other names: c.348G>C, p.Gln116His (NM_001193465.2, NM_001193466.2, NM_001379198.1 and 18 more transcripts); c.23+51875G>C (NM_001405885.1, NM_001405884.1, NM_001405883.1 and 1 more transcripts); short protein forms Q116H.
Identifiers: ClinVar variation 3029511 (VCV003029511.2), dbSNP rs746180917, ClinGen allele CA8619066.